The following is an entry in ClinVar:

NM_138409.4(MRAP2):c.374G>A (p.Arg125His)

Gene: MRAP2 (melanocortin 2 receptor accessory protein 2; plus strand). Cytogenetic location: 6q14.2.
Variant type: single nucleotide variant.
Coding change: c.374G>A on transcript NM_138409.4 (MANE Select); coding-DNA position 374, G replaced by A.
Protein change: p.Arg125His; replaces arginine 125 with histidine.
Molecular consequence: missense variant.
Genome position (GRCh38, 1-based): chr6:84,089,237, G>A. VCF-style: chr6-84089237-G-A. GRCh37 (hg19) VCF-style: chr6-84798956-G-A.
Other names: c.116G>A, p.Arg39His (NM_001346541.2); c.374G>A, p.Arg125His (NM_001346542.2, NM_001346544.2); c.209G>A, p.Arg70His (NM_001346543.2); short protein forms R39H, R125H, R70H.
Identifiers: ClinVar variation 710687 (VCV000710687.12), dbSNP rs115655382, ClinGen allele CA3909648.

ClinVar aggregate classification (germline): Likely benign. Review status: criteria provided, multiple submitters, no conflicts (2 of 4 stars). 4 submissions from 4 submitters: Likely benign (4). Last evaluated 2026-07-01.

Conditions:
BODY MASS INDEX QUANTITATIVE TRAIT LOCUS 18 (BMIQ18). Identifiers: MedGen C3714940, OMIM 615457.

Allele frequency attached by ClinVar (database versions not stated): gnomAD 0.00064; ESP Exome Variant Server 0.00069; TOPMed 0.00089; 1000 Genomes Project 0.00100; 1000 Genomes Project 30x 0.00109; ExAC 0.00128; gnomAD exomes 0.00139.
gnomAD v4.1: 1,669 of 1,614,166 alleles (0.1%); highest among the groups gnomAD compares: Middle Eastern, 0.86%; 8 homozygotes.

Submissions (4):

CeGaT Center for Human Genetics Tuebingen
Classification: Likely benign. Last evaluated: 2026-07-01. Review status: criteria provided, single submitter. Criteria: CeGaT Center For Human Genetics Tuebingen Variant Classification Criteria Version 2. Collection method: clinical testing. Allele origin: germline. Affected: yes. Observed: 1 variant allele.
Comment: MRAP2: BP4, BS1

Labcorp Genetics (formerly Invitae), Labcorp
Classification: Likely benign. Last evaluated: 2026-01-27. Review status: criteria provided, single submitter. Criteria: Invitae Variant Classification Sherloc (09022015). Collection method: clinical testing. Allele origin: germline.

Fulgent Genetics
Classification: Likely benign for BODY MASS INDEX QUANTITATIVE TRAIT LOCUS 18. Last evaluated: 2021-07-23. Review status: criteria provided, single submitter. Criteria: ACMG Guidelines, 2015. Collection method: clinical testing. Allele origin: unknown.

Breakthrough Genomics
Classification: Likely benign. Review status: criteria provided, single submitter. Criteria: ACMG Guidelines, 2015. Collection method: not provided. Allele origin: germline. Inheritance: Autosomal dominant inheritance. Affected: yes.